The following is an entry in ClinVar:

ClinVar aggregate classification (germline): Pathogenic. Review status: criteria provided, multiple submitters, no conflicts (2 of 4 stars). 2 submissions from 2 submitters: Pathogenic (2). Last evaluated 2026-01-17.

Conditions:
Microcephaly 1, primary, autosomal recessive (MCPH1). Also called: PREMATURE CHROMOSOME CONDENSATION SYNDROME; PCC SYNDROME; PREMATURE CHROMOSOME CONDENSATION WITH MICROCEPHALY AND MENTAL RETARDATION. Identifiers: Orphanet 2512, MedGen C1855081, MONDO:0009617, OMIM 251200.

gnomAD v4.1: 4 of 1,613,600 alleles (0.00025%); highest among the groups gnomAD compares: Non-Finnish European, 0.00034%; no homozygotes.

Submissions (2):

Myriad Genetics, Inc.
Classification: Pathogenic for Microcephaly 1, primary, autosomal recessive. Last evaluated: 2026-01-17. Review status: criteria provided, single submitter. Criteria: Myriad Autosomal Dominant, Autosomal Recessive and X-Linked Classification Criteria (2023). Collection method: clinical testing. Allele origin: unknown.
Comment: NM_024596.3(MCPH1):c.364G>T(E122*) is expected to be pathogenic in the context of primary microcephaly, MCPH1-related. This variant is predicted to lead to an abnormal or absent protein product due to the creation of a premature termination codon in MCPH1, a gene where loss-of-function variants are known to be pathogenic. Please note: this variant was assessed in the context of healthy population screening.

Labcorp Genetics (formerly Invitae), Labcorp
Classification: Pathogenic. Last evaluated: 2023-10-09. Review status: criteria provided, single submitter. Criteria: Invitae Variant Classification Sherloc (09022015). Collection method: clinical testing. Allele origin: germline.
Comment: This sequence change creates a premature translational stop signal (p.Glu122*) in the MCPH1 gene. It is expected to result in an absent or disrupted protein product. Loss-of-function variants in MCPH1 are known to be pathogenic (PMID: 20978018). This variant is present in population databases (no rsID available, gnomAD 0.002%). This variant has not been reported in the literature in individuals affected with MCPH1-related conditions. For these reasons, this variant has been classified as Pathogenic.

Literature cited by the submitters: PubMed 20978018 (cited by Labcorp Genetics (formerly Invitae), Labcorp).

NM_024596.5(MCPH1):c.364G>T (p.Glu122Ter)

Gene: MCPH1 (microcephalin 1; plus strand). Cytogenetic location: 8p23.1.
Variant type: single nucleotide variant.
Coding change: c.364G>T on transcript NM_024596.5 (MANE Select); coding-DNA position 364, G replaced by T.
Protein change: p.Glu122Ter; replaces glutamic acid 122 with a stop codon.
Molecular consequence: nonsense.
Genome position (GRCh38, 1-based): chr8:6,436,090, G>T. VCF-style: chr8-6436090-G-T. GRCh37 (hg19) VCF-style: chr8-6293611-G-T.
Other names: c.364G>T, p.Glu122Ter (NM_001172574.2, NM_001172575.2, NM_001322042.2 and 4 more transcripts); c.358G>T, p.Glu120Ter (NM_001322043.2); c.262G>T, p.Glu88Ter (NM_001322045.2); short protein forms E120*, E122*, E88*.
Identifiers: ClinVar variation 2767053 (VCV002767053.4), dbSNP rs750937838, ClinGen allele CA370217558.
Genomic context (GRCh38, chr8:6,436,090, plus strand): 5'-TGTGTTCTTTTTGCACAGCGTAAATGTATGCAGCCCAAAGATTTTAATTTTAAAACACCA[G>T]AAAATGATAAGAGATTTCAGAAGAAATTTGAGAAAATGGCTAAAGAGCTACAAAGGCAAA-3'